The following is an entry in ClinVar:

NM_152703.5(SAMD9L):c.238C>A (p.Pro80Thr)

Gene: SAMD9L (sterile alpha motif domain containing 9 like; minus strand). Cytogenetic location: 7q21.2.
Variant type: single nucleotide variant.
Coding change: c.238C>A on transcript NM_152703.5 (MANE Select); coding-DNA position 238, C replaced by A.
Protein change: p.Pro80Thr; replaces proline 80 with threonine.
Molecular consequence: missense variant.
Genome position (GRCh38, 1-based): chr7:93,135,734, G>T on the plus strand (C>A on the coding strand, the complement: SAMD9L is on the minus strand). VCF-style: chr7-93135734-G-T. GRCh37 (hg19) VCF-style: chr7-92765047-G-T.
Other names: c.238C>A, p.Pro80Thr (NM_001303496.3, NM_001303497.3, NM_001303498.3 and 5 more transcripts); short protein forms P80T.
Identifiers: ClinVar variation 4864033 (VCV004864033.1).

ClinVar aggregate classification (germline): Uncertain significance (1 of 4 stars; one submission).

Conditions:
Inborn genetic diseases. Identifiers: MedGen C0950123, MeSH D030342.

Submission:

Ambry Genetics
Classification: Uncertain significance for Inborn genetic diseases. Last evaluated: 2026-06-12. Review status: criteria provided, single submitter. Criteria: Ambry Variant Classification Scheme 2023. Collection method: clinical testing. Allele origin: germline.
Comment: The p.P80T variant (also known as c.238C>A), located in coding exon 1 of the SAMD9L gene, results from a C to A substitution at nucleotide position 238. The proline at codon 80 is replaced by threonine, an amino acid with highly similar properties. This amino acid position is conserved. In addition, this alteration is predicted to be tolerated by in silico analysis. Based on the available evidence, the clinical significance of this variant remains unclear.